The following is an entry in ClinVar:

NM_015426.5(POC1A):c.846G>A (p.Thr282=)

Gene: POC1A (POC1 centriolar protein A; minus strand). Cytogenetic location: 3p21.2.
Variant type: single nucleotide variant.
Coding change: c.846G>A on transcript NM_015426.5 (MANE Select); coding-DNA position 846, G replaced by A.
Protein change: p.Thr282=; no amino-acid change (threonine 282 retained).
Molecular consequence: synonymous variant.
Genome position (GRCh38, 1-based): chr3:52,125,149, C>T on the plus strand (G>A on the coding strand, the complement: POC1A is on the minus strand). VCF-style: chr3-52125149-C-T. GRCh37 (hg19) VCF-style: chr3-52159165-C-T.
Other names: c.846G>A, p.Thr282= (NM_001161580.2); c.732G>A, p.Thr244= (NM_001161581.2).
Identifiers: ClinVar variation 778083 (VCV000778083.14), dbSNP rs138210707, ClinGen allele CA2429478.

ClinVar aggregate classification (germline): Benign/Likely benign. Review status: criteria provided, multiple submitters, no conflicts (2 of 4 stars). 4 submissions from 4 submitters: Benign (2); Likely benign (1). 1 of the submissions does not count toward it. Last evaluated 2026-01-14.

Conditions:
POC1A-related disorder. Also called: POC1A-related condition.

Allele frequency attached by ClinVar (database versions not stated): 1000 Genomes Project 30x 0.00156; 1000 Genomes Project 0.00180; gnomAD 0.00188; TOPMed 0.00202; ESP Exome Variant Server 0.00223.
gnomAD v4.1: 599 of 1,614,022 alleles (0.037%); highest among the groups gnomAD compares: African/African-American, 0.66%; 2 homozygotes.

Submissions (9):

Labcorp Genetics (formerly Invitae), Labcorp
Classification: Benign. Last evaluated: 2026-01-14. Review status: criteria provided, single submitter. Criteria: Invitae Variant Classification Sherloc (09022015). Collection method: clinical testing. Allele origin: germline.

Blueprint Genetics
Classification: Likely benign. Last evaluated: 2024-09-04. Review status: criteria provided, single submitter. Criteria: ACMG Guidelines, 2015. Collection method: clinical testing. Allele origin: germline.

Breakthrough Genomics
Classification: Benign. Review status: criteria provided, single submitter. Criteria: ACMG Guidelines, 2015. Collection method: not provided. Allele origin: germline. Inheritance: Autosomal recessive inheritance. Affected: yes.

PreventionGenetics, part of Exact Sciences
Classification: Likely benign for POC1A-related condition. Last evaluated: 2020-01-31. Review status: no assertion criteria provided. Collection method: clinical testing. Allele origin: germline. Not counted in ClinVar's aggregate classification.
Comment: This variant is classified as likely benign based on ACMG/AMP sequence variant interpretation guidelines (Richards et al. 2015 PMID: 25741868, with internal and published modifications).

Dr. Peter K. Rogan Lab, Western University
No classification provided (evidence only). Condition: Lung cancer. Review status: no classification provided. Collection method: in vitro. Allele origin: not applicable. Functional consequence: retained intron. Not counted in ClinVar's aggregate classification.

Dr. Peter K. Rogan Lab, Western University
No classification provided (evidence only). Condition: Lung cancer. Review status: no classification provided. Collection method: in vitro. Allele origin: not applicable. Functional consequence: retained intron. Not counted in ClinVar's aggregate classification.

Dr. Peter K. Rogan Lab, Western University
No classification provided (evidence only). Condition: Sarcoma. Review status: no classification provided. Collection method: in vitro. Allele origin: not applicable. Functional consequence: retained intron. Not counted in ClinVar's aggregate classification.

Dr. Peter K. Rogan Lab, Western University
No classification provided (evidence only). Condition: Hepatocellular carcinoma. Review status: no classification provided. Collection method: in vitro. Allele origin: not applicable. Functional consequence: retained intron. Not counted in ClinVar's aggregate classification.

Dr. Peter K. Rogan Lab, Western University
No classification provided (evidence only). Condition: Uterine carcinosarcoma. Review status: no classification provided. Collection method: in vitro. Allele origin: not applicable. Functional consequence: retained intron. Not counted in ClinVar's aggregate classification.